The following is an entry in ClinVar:

ClinVar aggregate classification (germline): Uncertain significance (1 of 4 stars; one submission).

Submission:

Labcorp Genetics (formerly Invitae), Labcorp
Classification: Uncertain significance. Last evaluated: 2022-05-06. Review status: criteria provided, single submitter. Criteria: Invitae Variant Classification Sherloc (09022015). Collection method: clinical testing. Allele origin: germline.
Comment: This variant has not been reported in the literature in individuals affected with ABCA4-related conditions. This variant is not present in population databases (gnomAD no frequency). This sequence change falls in intron 33 of the ABCA4 gene. It does not directly change the encoded amino acid sequence of the ABCA4 protein. It affects a nucleotide within the consensus splice site. Variants that disrupt the consensus splice site are a relatively common cause of aberrant splicing (PMID: 17576681, 9536098). Algorithms developed to predict the effect of sequence changes on RNA splicing suggest that this variant is not likely to affect RNA splicing. In summary, the available evidence is currently insufficient to determine the role of this variant in disease. Therefore, it has been classified as a Variant of Uncertain Significance.

Literature cited by the submitters: PubMed 17576681; PubMed 9536098.

NM_000350.3(ABCA4):c.4774-3T>C

Genes: ABCA4 (ATP binding cassette subfamily A member 4; minus strand), LOC126805793 (CDK7 strongly-dependent group 2 enhancer GRCh37_chr1:94486302-94487501; plus strand). Cytogenetic location: 1p22.1.
Variant type: single nucleotide variant.
Coding change: c.4774-3T>C on transcript NM_000350.3 (MANE Select); 3 bases into the intron before coding-DNA position 4774, T replaced by C.
Molecular consequence: intron variant.
Genome position (GRCh38, 1-based): chr1:94,021,717, A>G on the plus strand (T>C on the coding strand, the complement: ABCA4 is on the minus strand). VCF-style: chr1-94021717-A-G. GRCh37 (hg19) VCF-style: chr1-94487273-A-G.
Identifiers: ClinVar variation 1505518 (VCV001505518.6), dbSNP rs2101023649, ClinGen allele CA2573132691.